The following is an entry in ClinVar:

NM_001267550.2(TTN):c.67556del (p.Tyr22519fs)

Genes: TTN (titin; minus strand), TTN-AS1 (TTN antisense RNA 1; plus strand), LOC126806423 (CDK7 strongly-dependent group 2 enhancer GRCh37_chr2:179443309-179444508; plus strand). Cytogenetic location: 2q31.2.
Variant type: Deletion.
Coding change: c.67556del on transcript NM_001267550.2 (MANE Select); coding-DNA position 67556, one base deleted (A; older notation c.67556delA).
Protein change: p.Tyr22519fs; shifts the reading frame from tyrosine 22519.
Molecular consequence: frameshift variant.
Genome position (GRCh38, 1-based): chr2:178,579,641, T deleted on the plus strand (A on the coding strand, the reverse complement: TTN is on the minus strand). VCF-style (leftmost placement, unchanged base first): chr2-178579640-AT-A. GRCh37 (hg19) VCF-style: chr2-179444367-AT-A.
Other names: c.62633del, p.Tyr20878fs (NM_001256850.1); c.40361del, p.Tyr13454fs (NM_003319.4); c.59852del, p.Tyr19951fs (NM_133378.4); c.40736del, p.Tyr13579fs (NM_133432.3); c.40937del, p.Tyr13646fs (NM_133437.4); short protein forms Y13454fs, Y13646fs, Y22519fs, Y19951fs, Y13579fs, Y20878fs.
Identifiers: ClinVar variation 4785462 (VCV004785462.1).
Genomic context (GRCh38, chr2:178,579,640, plus strand): 5'-AACAGTGATTTCGCTTGGGGTTCCTTCTCCATTTTCATTCTCAGCACTCACTCTGAAGGT[AT>A]ATTCCTTCCCTTCAGTCAAATCTTTTGCAGAGTACTGTAGGCTTAAGGATTTCATAACTC-3'

ClinVar aggregate classification (germline): Likely pathogenic (1 of 4 stars; one submission).

Conditions:
Autosomal recessive limb-girdle muscular dystrophy type 2J (LGMDR10). Also called: Limb-girdle muscular dystrophy, type 2J; MUSCULAR DYSTROPHY, LIMB-GIRDLE, AUTOSOMAL RECESSIVE 10. Identifiers: Orphanet 140922, MedGen C1837342, MONDO:0012127, OMIM 608807.
Dilated cardiomyopathy 1G (CMD1G). Identifiers: Orphanet 154, MedGen C1858763, MONDO:0011400, OMIM 604145.

Submission:

Labcorp Genetics (formerly Invitae), Labcorp
Classification: Likely pathogenic for Dilated cardiomyopathy 1G; Autosomal recessive limb-girdle muscular dystrophy type 2J. Last evaluated: 2025-07-02. Review status: criteria provided, single submitter. Criteria: Invitae Variant Classification Sherloc (09022015). Collection method: clinical testing. Allele origin: germline.
Comment: This sequence change creates a premature translational stop signal (p.Tyr22519Leufs*5) in the TTN gene. While this is not anticipated to result in nonsense mediated decay, it is expected to create a truncated TTN protein. This variant is not present in population databases (gnomAD no frequency). This variant has not been reported in the literature in individuals affected with TTN-related conditions. This variant is located in the A band of TTN (PMID: 25589632). Truncating variants in this region are significantly overrepresented in patients affected with dilated cardiomyopathy (PMID: 25589632). Truncating variants in this region have also been reported in individuals affected with autosomal recessive centronuclear myopathy (PMID: 23975875). In summary, the currently available evidence indicates that the variant is pathogenic, but additional data are needed to prove that conclusively. Therefore, this variant has been classified as Likely Pathogenic.

Literature cited by the submitters: PubMed 25589632; PubMed 23975875.